The following is an entry in ClinVar:

NM_001177693.2(ARHGEF28):c.5054G>A (p.Arg1685Lys)

Gene: ARHGEF28 (Rho guanine nucleotide exchange factor 28; plus strand). Cytogenetic location: 5q13.2.
Variant type: single nucleotide variant.
Coding change: c.5054G>A on transcript NM_001177693.2 (MANE Select); coding-DNA position 5054, G replaced by A.
Protein change: p.Arg1685Lys; replaces arginine 1685 with lysine.
Molecular consequence: missense variant.
Genome position (GRCh38, 1-based): chr5:73,940,949, G>A. VCF-style: chr5-73940949-G-A. GRCh37 (hg19) VCF-style: chr5-73236774-G-A.
Other names: c.5132G>A, p.Arg1711Lys (NM_001080479.3); c.4115G>A, p.Arg1372Lys (NM_001244364.2); c.4760G>A, p.Arg1587Lys (NM_001388076.1); short protein forms R1372K, R1587K, R1685K, R1711K.
Identifiers: ClinVar variation 3045895 (VCV003045895.2), dbSNP rs183765866, ClinGen allele CA3305478.

ClinVar aggregate classification (germline): Likely benign (0 of 4 stars; one submission).

Conditions:
ARHGEF28-related disorder. Also called: ARHGEF28-related condition.

Allele frequency attached by ClinVar (database versions not stated): gnomAD exomes 0.00008; gnomAD 0.00017; ExAC 0.00036; 1000 Genomes Project 0.00060; 1000 Genomes Project 30x 0.00078.

Submission:

PreventionGenetics, part of Exact Sciences
Classification: Likely benign for ARHGEF28-related condition. Last evaluated: 2019-11-05. Review status: no assertion criteria provided. Collection method: clinical testing. Allele origin: germline.
Comment: This variant is classified as likely benign based on ACMG/AMP sequence variant interpretation guidelines (Richards et al. 2015 PMID: 25741868, with internal and published modifications).